The following is an entry in ClinVar:

NM_000153.4(GALC):c.582+1G>C

Gene: GALC (galactosylceramidase; minus strand). Cytogenetic location: 14q31.3.
Variant type: single nucleotide variant.
Coding change: c.582+1G>C on transcript NM_000153.4 (MANE Select); the canonical splice donor site of the intron after coding-DNA position 582, G replaced by C.
Molecular consequence: splice donor variant.
Genome position (GRCh38, 1-based): chr14:87,984,393, C>G on the plus strand (G>C on the coding strand, the complement: GALC is on the minus strand). VCF-style: chr14-87984393-C-G. GRCh37 (hg19) VCF-style: chr14-88450737-C-G.
Other names: c.-86+1G>C (NM_001424076.1, NM_001424077.1); c.504+1G>C (NM_001201402.2); c.513+1G>C (NM_001201401.2); c.234+1G>C (NM_001424075.1, NM_001424074.1); c.414+1G>C (NM_001424072.1, NM_001424073.1, NM_001424071.1).
Identifiers: ClinVar variation 2764661 (VCV002764661.3), dbSNP rs750881596, ClinGen allele CA390751351.
Genomic context (GRCh38, chr14:87,984,393, plus strand): 5'-TTATTTTCTAAATTACAAACAAATGTCCAAAACTGAATCATATTTTAAATATATTACTAA[C>G]TCCAATATAATCAATGTCCAAATCATGGTAACGCTTGGCGCCCACAATCCAGGTCACGAC-3'

ClinVar aggregate classification (germline): Likely pathogenic (1 of 4 stars; one submission).

Conditions:
Galactosylceramide beta-galactosidase deficiency. Also called: GALACTOCEREBROSIDASE DEFICIENCY; GALC DEFICIENCY; GLOBOID CELL LEUKOENCEPHALOPATHY; Leukodystrophy, Globoid Cell; Krabbe Disease. Identifiers: Orphanet 487, MedGen C0023521, MONDO:0009499, OMIM 245200.

Submission:

Labcorp Genetics (formerly Invitae), Labcorp
Classification: Likely pathogenic for Galactosylceramide beta-galactosidase deficiency. Last evaluated: 2023-10-19. Review status: criteria provided, single submitter. Criteria: Invitae Variant Classification Sherloc (09022015). Collection method: clinical testing. Allele origin: germline.
Comment: This sequence change affects a donor splice site in intron 5 of the GALC gene. It is expected to disrupt RNA splicing. Variants that disrupt the donor or acceptor splice site typically lead to a loss of protein function (PMID: 16199547), and loss-of-function variants in GALC are known to be pathogenic (PMID: 7437911, 9272171, 16607461). This variant is not present in population databases (gnomAD no frequency). Disruption of this splice site has been observed in individual(s) with Krabbe disease (PMID: 31395954). Algorithms developed to predict the effect of sequence changes on RNA splicing suggest that this variant may disrupt the consensus splice site. In summary, the currently available evidence indicates that the variant is pathogenic, but additional data are needed to prove that conclusively. Therefore, this variant has been classified as Likely Pathogenic.

Literature cited by the submitters: PubMed 16199547; PubMed 7437911; PubMed 9272171; PubMed 16607461; PubMed 31395954.